The following is an entry in ClinVar:

NM_001134363.3(RBM20):c.124C>T (p.Gln42Ter)

Gene: RBM20 (RNA binding motif protein 20; plus strand). Cytogenetic location: 10q25.2.
Variant type: single nucleotide variant.
Coding change: c.124C>T on transcript NM_001134363.3 (MANE Select); coding-DNA position 124, C replaced by T.
Protein change: p.Gln42Ter; replaces glutamine 42 with a stop codon.
Molecular consequence: nonsense.
Genome position (GRCh38, 1-based): chr10:110,644,578, C>T. VCF-style: chr10-110644578-C-T. GRCh37 (hg19) VCF-style: chr10-112404336-C-T.
Other names: short protein forms Q42*.
Identifiers: ClinVar variation 1760338 (VCV001760338.2), dbSNP rs2493192553, ClinGen allele CA378527766.
Genomic context (GRCh38, chr10:110,644,578, plus strand): 5'-GTTGCCTGCAGTGTGCCTGGTGCCCGGGCGTCCCCGGCACCCTCCGGCCCGCGAGGGATG[C>T]AGCAGCCGCCGCCGCCGCCCCAGCCACCGCCCCCGCCCCAAGCCGGCCTACCCCAGATCA-3'

ClinVar aggregate classification (germline): Uncertain significance (1 of 4 stars; one submission).

Conditions:
Cardiovascular phenotype. Identifiers: MedGen CN230736.

gnomAD v4.1: 2 of 1,526,292 alleles (0.00013%); highest among the groups gnomAD compares: East Asian, 0.0026%; no homozygotes.

Submission:

Ambry Genetics
Classification: Uncertain significance for Cardiovascular phenotype. Last evaluated: 2020-07-30. Review status: criteria provided, single submitter. Criteria: Ambry Variant Classification Scheme 2023. Collection method: clinical testing. Allele origin: germline.
Comment: The p.Q42* variant (also known as c.124C>T), located in coding exon 1 of the RBM20 gene, results from a C to T substitution at nucleotide position 124. This changes the amino acid from a glutamine to a stop codon within coding exon 1. This alteration is expected to result in premature protein truncation or nonsense-mediated mRNA decay. However, loss of function of RBM20 has not been clearly established as a mechanism of disease. Since supporting evidence is limited at this time, the clinical significance of this alteration remains unclear.